The following is an entry in ClinVar:

NM_001451.3(FOXF1):c.179C>T (p.Ala60Val)

Gene: FOXF1 (forkhead box F1; plus strand). Cytogenetic location: 16q24.1.
Variant type: single nucleotide variant.
Coding change: c.179C>T on transcript NM_001451.3 (MANE Select); coding-DNA position 179, C replaced by T.
Protein change: p.Ala60Val; replaces alanine 60 with valine.
Molecular consequence: missense variant.
Genome position (GRCh38, 1-based): chr16:86,510,748, C>T. VCF-style: chr16-86510748-C-T. GRCh37 (hg19) VCF-style: chr16-86544354-C-T.
Other names: short protein forms A60V.
Identifiers: ClinVar variation 1301900 (VCV001301900.2), dbSNP rs2143184507, ClinGen allele CA397005406.

ClinVar aggregate classification (germline): Likely pathogenic (1 of 4 stars; one submission).

Conditions:
Alveolar capillary dysplasia with pulmonary venous misalignment. Also called: ALVEOLAR CAPILLARY DYSPLASIA WITH MISALIGNMENT OF PULMONARY VEINS AND OTHER CONGENITAL ANOMALIES; Congenital alveolar capillary dysplasia; Alveolar capillary dysplasia with misalignment of pulmonary veins. Identifiers: Orphanet 210122, MedGen C2960310, MONDO:0009934, OMIM 265380.

Submission:

Rady Children's Institute for Genomic Medicine, Rady Children's Hospital San Diego
Classification: Likely pathogenic for ALVEOLAR CAPILLARY DYSPLASIA WITH MISALIGNMENT OF PULMONARY VEINS. Last evaluated: 2020-04-30. Review status: criteria provided, single submitter. Criteria: ACMG Guidelines, 2015. Collection method: clinical testing. Allele origin: germline. Affected: yes.
Comment: This variant has not been previously reported or functionally characterized in the literature to our knowledge. It is absent from the gnomAD population database and thus is presumed to be rare. The c.179C>T (p.Ala60Val) variant affects a highly conserved amino acid and is predicted by multiple in silico tools to have a deleterious effect on protein function. Analysis of the parental samples was negative for the variant, indicating this variant likely occurred as a de novo event. Based on the available evidence, the c.179C>T (p.Ala60Val) variant is classified as Likely Pathogenic.